The following is an entry in ClinVar:

NM_000038.6(APC):c.8513A>G (p.Tyr2838Cys)

Gene: APC (APC regulator of Wnt signaling pathway; plus strand). Cytogenetic location: 5q22.2.
Variant type: single nucleotide variant.
Coding change: c.8513A>G on transcript NM_000038.6 (MANE Select); coding-DNA position 8513, A replaced by G.
Protein change: p.Tyr2838Cys; replaces tyrosine 2838 with cysteine.
Molecular consequence: missense variant.
Genome position (GRCh38, 1-based): chr5:112,844,107, A>G. VCF-style: chr5-112844107-A-G. GRCh37 (hg19) VCF-style: chr5-112179804-A-G.
Other names: c.8336A>G, p.Tyr2779Cys (NM_001354901.2); c.8240A>G, p.Tyr2747Cys (NM_001354902.2); c.8210A>G, p.Tyr2737Cys (NM_001354903.2); c.8135A>G, p.Tyr2712Cys (NM_001354904.2); c.8033A>G, p.Tyr2678Cys (NM_001354905.2); c.7664A>G, p.Tyr2555Cys (NM_001354906.2); c.8513A>G, p.Tyr2838Cys (NM_001127510.3, NM_001354895.2); c.8459A>G, p.Tyr2820Cys (NM_001127511.3); and 6 more; short protein forms Y2712C, Y2747C, Y2810C, Y2678C, Y2737C, Y2779C, Y2820C, Y2838C.
Identifiers: ClinVar variation 1409180 (VCV001409180.7), dbSNP rs765573502, ClinGen allele CA050939.

ClinVar aggregate classification (germline): Uncertain significance. Review status: criteria provided, multiple submitters, no conflicts (2 of 4 stars). 2 submissions from 2 submitters: Uncertain significance (2). Last evaluated 2026-07-07.

Conditions:
Hereditary cancer-predisposing syndrome. Also called: Hereditary Cancer Syndrome; Neoplastic Syndromes, Hereditary; Hereditary neoplastic syndrome; Tumor predisposition. Identifiers: Orphanet 140162, MedGen C0027672, MeSH D009386, MONDO:0015356.
Familial adenomatous polyposis 1 (FAP1). Also called: FAMILIAL ADENOMATOUS POLYPOSIS 1, ATTENUATED; POLYPOSIS, ADENOMATOUS INTESTINAL. Identifiers: MedGen C2713442, MONDO:0021056, OMIM 175100. Disease mechanism: loss of function.

Allele frequency attached by ClinVar (database versions not stated): gnomAD exomes below 0.00001; ExAC 0.00001.
gnomAD v4.1: 2 of 1,613,062 alleles (0.00012%); highest among the groups gnomAD compares: Non-Finnish European, 0.000085%; no homozygotes.

Submissions (2):

Ambry Genetics
Classification: Uncertain significance for Hereditary cancer-predisposing syndrome. Last evaluated: 2026-07-07. Review status: criteria provided, single submitter. Criteria: Ambry Variant Classification Scheme 2023. Collection method: clinical testing. Allele origin: germline.
Comment: The p.Y2838C variant (also known as c.8513A>G), located in coding exon 15 of the APC gene, results from an A to G substitution at nucleotide position 8513. The tyrosine at codon 2838 is replaced by cysteine, an amino acid with highly dissimilar properties. This amino acid position is conserved. In addition, in silico predictors for this gene do not accurately predict pathogenicity. Based on the available evidence, the clinical significance of this variant remains unclear.

Labcorp Genetics (formerly Invitae), Labcorp
Classification: Uncertain significance for Familial adenomatous polyposis 1. Last evaluated: 2023-06-30. Review status: criteria provided, single submitter. Criteria: Invitae Variant Classification Sherloc (09022015). Collection method: clinical testing. Allele origin: germline.
Comment: In summary, the available evidence is currently insufficient to determine the role of this variant in disease. Therefore, it has been classified as a Variant of Uncertain Significance. Advanced modeling of protein sequence and biophysical properties (such as structural, functional, and spatial information, amino acid conservation, physicochemical variation, residue mobility, and thermodynamic stability) performed at Invitae indicates that this missense variant is not expected to disrupt APC protein function. ClinVar contains an entry for this variant (Variation ID: 1409180). This variant has not been reported in the literature in individuals affected with APC-related conditions. This variant is present in population databases (rs765573502, gnomAD 0.0009%). This sequence change replaces tyrosine, which is neutral and polar, with cysteine, which is neutral and slightly polar, at codon 2838 of the APC protein (p.Tyr2838Cys).